The following is an entry in ClinVar:

NM_014845.6(FIG4):c.497+14T>G

Gene: FIG4 (FIG4 phosphoinositide 5-phosphatase; plus strand). Cytogenetic location: 6q21.
Variant type: single nucleotide variant.
Coding change: c.497+14T>G on transcript NM_014845.6 (MANE Select); 14 bases into the intron after coding-DNA position 497, T replaced by G.
Molecular consequence: intron variant.
Genome position (GRCh38, 1-based): chr6:109,732,701, T>G. VCF-style: chr6-109732701-T-G. GRCh37 (hg19) VCF-style: chr6-110053904-T-G.
Other names: c.497+14T>G (NM_014845.5).
Identifiers: ClinVar variation 1653628 (VCV001653628.8), dbSNP rs756070677, ClinGen allele CA3955810.

ClinVar aggregate classification (germline): Likely benign. Review status: criteria provided, multiple submitters, no conflicts (2 of 4 stars). 2 submissions from 2 submitters: Likely benign (2). Last evaluated 2025-09-10.

Conditions:
Charcot-Marie-Tooth disease type 4. Also called: Charcot-Marie-Tooth, Type 4; Charcot-Marie-Tooth disease, type IV. Identifiers: Orphanet 64749, MedGen C4082197, MONDO:0018995.

Allele frequency attached by ClinVar (database versions not stated): TOPMed below 0.00001; ExAC 0.00001; gnomAD 0.00001; gnomAD exomes 0.00001 and 0.00002.
gnomAD v4.1: 19 of 1,520,758 alleles (0.0012%); highest among the groups gnomAD compares: Non-Finnish European, 0.0014%; no homozygotes.

Submissions (2):

Labcorp Genetics (formerly Invitae), Labcorp
Classification: Likely benign for Charcot-Marie-Tooth disease type 4. Last evaluated: 2025-09-10. Review status: criteria provided, single submitter. Criteria: Invitae Variant Classification Sherloc (09022015). Collection method: clinical testing. Allele origin: germline.

Women's Health and Genetics/Laboratory Corporation of America, LabCorp
Classification: Likely benign. Last evaluated: 2023-08-28. Review status: criteria provided, single submitter. Criteria: LabCorp Variant Classification Summary - May 2015. Collection method: clinical testing. Allele origin: germline.
Comment: Variant summary: FIG4 c.497+14T>G alters a non-conserved nucleotide located at a position not widely known to affect splicing. Consensus agreement among computation tools predict no significant impact on normal splicing. However, these predictions have yet to be confirmed by functional studies. The variant allele was found at a frequency of 2.4e-05 in 245442 control chromosomes. The available data on variant occurrences in the general population are insufficient to allow any conclusion about variant significance. To our knowledge, no occurrence of c.497+14T>G in individuals affected with Charcot-Marie Disease Type 4J and no experimental evidence demonstrating its impact on protein function have been reported. One submitter has cited clinical-significance assessments for this variant to ClinVar after 2014 and has classified the variant as likely benign. Based on the evidence outlined above, the variant was classified as likely benign.